The following is an entry in ClinVar:

ClinVar aggregate classification (germline): Uncertain significance (1 of 4 stars; one submission).

Submission:

Ambry Genetics
Classification: Uncertain significance. Last evaluated: 2025-06-08. Review status: criteria provided, single submitter. Criteria: Ambry Variant Classification Scheme 2023. Collection method: clinical testing. Allele origin: germline.
Comment: The p.F112C variant (also known as c.335T>G), located in coding exon 5 of the FAM175A gene, results from a T to G substitution at nucleotide position 335. The phenylalanine at codon 112 is replaced by cysteine, an amino acid with highly dissimilar properties. This amino acid position is conserved. In addition, this alteration is predicted to be deleterious by in silico analysis. Based on the available evidence, the clinical significance of this variant remains unclear.

NM_139076.3(ABRAXAS1):c.335T>G (p.Phe112Cys)

Gene: ABRAXAS1 (abraxas 1, BRCA1 A complex subunit; minus strand). Cytogenetic location: 4q21.23.
Variant type: single nucleotide variant.
Coding change: c.335T>G on transcript NM_139076.3 (MANE Select); coding-DNA position 335, T replaced by G.
Protein change: p.Phe112Cys; replaces phenylalanine 112 with cysteine.
Molecular consequence: missense variant.
Genome position (GRCh38, 1-based): chr4:83,470,344, A>C on the plus strand (T>G on the coding strand, the complement: ABRAXAS1 is on the minus strand). VCF-style: chr4-83470344-A-C. GRCh37 (hg19) VCF-style: chr4-84391497-A-C.
Other names: c.8T>G, p.Phe3Cys (NM_001345962.2); short protein forms F112C, F3C.
Identifiers: ClinVar variation 3994647 (VCV003994647.1).